The following is an entry in ClinVar:

NM_003331.5(TYK2):c.2463C>T (p.Ser821=)

Gene: TYK2 (tyrosine kinase 2; minus strand). Cytogenetic location: 19p13.2.
Variant type: single nucleotide variant.
Coding change: c.2463C>T on transcript NM_003331.5 (MANE Select); coding-DNA position 2463, C replaced by T.
Protein change: p.Ser821=; no amino-acid change (serine 821 retained).
Molecular consequence: synonymous variant.
Genome position (GRCh38, 1-based): chr19:10,357,767, G>A on the plus strand (C>T on the coding strand, the complement: TYK2 is on the minus strand). VCF-style: chr19-10357767-G-A. GRCh37 (hg19) VCF-style: chr19-10468443-G-A.
Identifiers: ClinVar variation 626204 (VCV000626204.8), dbSNP rs769673045, ClinGen allele CA9193072.
Genomic context (GRCh38, chr19:10,357,767, plus strand): 5'-TGGATTTCTTGGAGGGGCCCCCACTGCGGGGAGGGCCCAAGGGTCTCCTAGACATACCTC[G>A]GAGGGACTGCGGCTCTGCAGAGGGGCCTCTCCGTCAAAGCAGATCTCCAGGAGGGTGGCG-3'
Protein context (NP_003322.3, residues 811-831): GEAPLQSRSP[Ser821=]EKEHFYQRQH

ClinVar aggregate classification (germline): Likely benign. Review status: criteria provided, multiple submitters, no conflicts (2 of 4 stars). 2 submissions from 2 submitters: Likely benign (2). Last evaluated 2025-11-01.

Conditions:
Immunodeficiency 35 (IMD35). Also called: HIES WITH ATYPICAL MYCOBACTERIOSIS, AUTOSOMAL RECESSIVE; HYPER-IgE SYNDROME WITH ATYPICAL MYCOBACTERIOSIS, AUTOSOMAL RECESSIVE; TYK2 DEFICIENCY; Susceptibility to infection due to TYK2 deficiency. Identifiers: Orphanet 331226, MedGen C1969086, MONDO:0012682, OMIM 611521.

Allele frequency attached by ClinVar (database versions not stated): gnomAD exomes 0.00002; TOPMed 0.00002; ExAC 0.00005.
gnomAD v4.1: 11 of 1,608,828 alleles (0.00068%); highest among the groups gnomAD compares: East Asian, 0.0045%; no homozygotes.

Submissions (2):

Labcorp Genetics (formerly Invitae), Labcorp
Classification: Likely benign for Immunodeficiency 35. Last evaluated: 2025-11-01. Review status: criteria provided, single submitter. Criteria: Invitae Variant Classification Sherloc (09022015). Collection method: clinical testing. Allele origin: germline.

Center for Genomics, Ann and Robert H. Lurie Children's Hospital of Chicago
Classification: Likely benign for Immunodeficiency 35. Last evaluated: 2021-12-22. Review status: criteria provided, single submitter. Criteria: ACMG Guidelines, 2015. Collection method: clinical testing. Allele origin: germline.
Comment: TYK2 NM_003331.4 exon 17 p.Ser821= (c.2463C>T): This variant has not been reported in the literature but is present in 2/32738 Latino alleles in the Genome Aggregation Database. Evolutionary conservation and computational predictive tools for this variant are limited or unavailable. Of note, this variant is a silent variant and does not change the amino acid, reducing the probability that this variant is disease causing. In summary, data on this variant is insufficient for disease classification. Therefore, the clinical significance of this variant is uncertain.